The following is an entry in ClinVar:

NM_080680.3(COL11A2):c.808_813delinsATTGGGCTCG (p.Ser270fs)

Gene: COL11A2 (collagen type XI alpha 2 chain; minus strand). Cytogenetic location: 6p21.32.
Variant type: Indel.
Coding change: c.808_813delinsATTGGGCTCG on transcript NM_080680.3 (MANE Select); coding-DNA positions 808 to 813, TCTCTC replaced by ATTGGGCTCG.
Protein change: p.Ser270fs; shifts the reading frame from serine 270.
Molecular consequence: frameshift variant. On other transcripts: intron variant (2).
Genome position (GRCh38, 1-based): chr6:33,185,764-33,185,769, GAGAGA replaced by CGAGCCCAAT on the plus strand (TCTCTC replaced by ATTGGGCTCG on the coding strand, the reverse complement: COL11A2 is on the minus strand). VCF-style: chr6-33185764-GAGAGA-CGAGCCCAAT. GRCh37 (hg19) VCF-style: chr6-33153541-GAGAGA-CGAGCCCAAT.
Other names: c.798+858_798+863delinsATTGGGCTCG (NM_080679.3); c.799-715_799-710delinsATTGGGCTCG (NM_080681.3); short protein forms S270fs.
Identifiers: ClinVar variation 505590 (VCV000505590.4), dbSNP rs1554224412, ClinGen allele CA658796740.

ClinVar aggregate classification (germline): Uncertain significance (1 of 4 stars; one submission).

Submission:

Laboratory for Molecular Medicine, Mass General Brigham Personalized Medicine
Classification: Uncertain significance. Last evaluated: 2017-01-31. Review status: criteria provided, single submitter. Criteria: LMM Criteria. Collection method: clinical testing. Allele origin: germline. Observed: 1 variant allele.
Comment: Variant classified as Uncertain Significance - Favor Pathogenic. The p.Ser270fs variant in COL11A2 has not been previously reported in individuals with hearing loss, Stickler syndrome, or otospondylomegaepiphyseal dysplasia (OSMED). This va riant was absent from large population studies, though the ability of these stud ies to accurately detect indels may be limited. This variant is predicted to cau se a frameshift, which alters the protein?s amino acid sequence beginning at pos ition 270 and leads to a premature termination codon 6 amino acids downstream. T his alteration is then predicted to lead to a truncated or absent protein. Loss of function of the COL11A2 gene has been primarily associated with autosomal rec essive OSMED. However, this variant occurs in an alternately spliced exon in COL 11A2, and no disease-causing loss-of-function variants have been previously repo rted in this region. This may suggest that the exon is not essential to protein function or that this variant may not have an impact on the protein product due to alternate splicing. Therefore the impact, if any, of this variant upon the pr otein is uncertain. In summary, while there is some suspicion for a pathogenic r ole, the clinical significance of this variant is uncertain.